The following is an entry in ClinVar:

NM_201384.3(PLEC):c.12187G>C (p.Val4063Leu)

Gene: PLEC (plectin; minus strand). Cytogenetic location: 8q24.3.
Variant type: single nucleotide variant.
Coding change: c.12187G>C on transcript NM_201384.3 (MANE Select); coding-DNA position 12187, G replaced by C.
Protein change: p.Val4063Leu; replaces valine 4063 with leucine.
Molecular consequence: missense variant.
Genome position (GRCh38, 1-based): chr8:143,917,634, C>G on the plus strand (G>C on the coding strand, the complement: PLEC is on the minus strand). VCF-style: chr8-143917634-C-G. GRCh37 (hg19) VCF-style: chr8-144991802-C-G.
Other names: c.12268G>C, p.Val4090Leu (NM_000445.5); c.8887G>C, p.Val2963Leu (NM_001410941.1); c.12145G>C, p.Val4049Leu (NM_201378.4); c.12121G>C, p.Val4041Leu (NM_201379.3); c.12598G>C, p.Val4200Leu (NM_201380.4); c.12091G>C, p.Val4031Leu (NM_201381.3); c.12187G>C, p.Val4063Leu (NM_201382.4); c.12199G>C, p.Val4067Leu (NM_201383.3); short protein forms V4041L, V4067L, V4031L, V4063L, V2963L, V4049L, V4200L, V4090L.
Identifiers: ClinVar variation 2014669 (VCV002014669.4), dbSNP rs201051109, ClinGen allele CA372485440.

ClinVar aggregate classification (germline): Uncertain significance (1 of 4 stars; one submission).

Conditions:
Epidermolysis bullosa simplex 5B, with muscular dystrophy (EBS5B). Also called: Epidermolysis bullosa simplex with muscular dystrophy; EPIDERMOLYSIS BULLOSA SIMPLEX AND LIMB-GIRDLE MUSCULAR DYSTROPHY. Identifiers: Orphanet 257, MedGen C2931072, MONDO:0009181, OMIM 226670.
Epidermolysis bullosa simplex, Ogna type (EBS5A). Also called: Pidermolysis bullosa simplex 5A, Ogna type; EPIDERMOLYSIS BULLOSA SIMPLEX 5A, OGNA TYPE. Identifiers: Orphanet 79401, MedGen C0432317, MONDO:0007555, OMIM 131950.
Epidermolysis bullosa simplex 5C, with pyloric atresia (EBS5C). Also called: PLEC-Related Epidermolysis Bullosa with Pyloric Atresia; Epidermolysis bullosa simplex with pyloric atresia; PLEC1-Related Epidermolysis Bullosa with Pyloric Atresia. Identifiers: Orphanet 158684, MedGen C2677349, MONDO:0012807, OMIM 612138.
Autosomal recessive limb-girdle muscular dystrophy type 2Q (LGMDR17). Also called: MUSCULAR DYSTROPHY, LIMB-GIRDLE, AUTOSOMAL RECESSIVE 17. Identifiers: Orphanet 254361, MedGen C3150989, MONDO:0013390, OMIM 613723.
Epidermolysis bullosa simplex with nail dystrophy (EBS5D). Identifiers: MedGen C4225309, MONDO:0014661, OMIM 616487.

gnomAD v4.1: 4 of 1,613,696 alleles (0.00025%); highest among the groups gnomAD compares: Non-Finnish European, 0.00034%; no homozygotes.

Submission:

Labcorp Genetics (formerly Invitae), Labcorp
Classification: Uncertain significance for Autosomal recessive limb-girdle muscular dystrophy type 2Q; Epidermolysis bullosa simplex, Ogna type; Epidermolysis bullosa simplex with nail dystrophy; Epidermolysis bullosa simplex 5C, with pyloric atresia; Epidermolysis bullosa simplex 5B, with muscular dystrophy. Last evaluated: 2022-08-09. Review status: criteria provided, single submitter. Criteria: Invitae Variant Classification Sherloc (09022015). Collection method: clinical testing. Allele origin: germline.
Comment: In summary, the available evidence is currently insufficient to determine the role of this variant in disease. Therefore, it has been classified as a Variant of Uncertain Significance. Algorithms developed to predict the effect of missense changes on protein structure and function (SIFT, PolyPhen-2, Align-GVGD) all suggest that this variant is likely to be disruptive. This variant has not been reported in the literature in individuals affected with PLEC-related conditions. This variant is not present in population databases (gnomAD no frequency). This sequence change replaces valine, which is neutral and non-polar, with leucine, which is neutral and non-polar, at codon 4090 of the PLEC protein (p.Val4090Leu).